The following is an entry in ClinVar:

ClinVar aggregate classification (germline): Conflicting classifications of pathogenicity. Review status: criteria provided, conflicting classifications (1 of 4 stars). 6 submissions from 5 submitters: Uncertain significance (2); Benign (1); Likely benign (3). Last evaluated 2025-10-12.

Conditions:
Senior-Loken syndrome 4 (SLSN4). Identifiers: Orphanet 3156, MedGen C1846979, MONDO:0011756, OMIM 606996.
Nephronophthisis 4 (NPHP4). Also called: NEPHRONOPHTHISIS 4, JUVENILE. Identifiers: Orphanet 655, MedGen C1847013, MONDO:0011752, OMIM 606966.
Nephronophthisis. Also called: Juvenile Nephronophthisis. Identifiers: Orphanet 655, MedGen C0687120, MONDO:0019005, HP:0000090.

Allele frequency attached by ClinVar (database versions not stated): gnomAD exomes 0.00029; ExAC 0.00034; gnomAD 0.00074 and 0.00078; ESP Exome Variant Server 0.00078; TOPMed 0.00096; 1000 Genomes Project 0.00120; 1000 Genomes Project 30x 0.00125.
gnomAD v4.1: 272 of 1,597,544 alleles (0.017%); highest among the groups gnomAD compares: African/African-American, 0.26%; no homozygotes.

Submissions (6):

Labcorp Genetics (formerly Invitae), Labcorp
Classification: Benign for Nephronophthisis. Last evaluated: 2025-10-12. Review status: criteria provided, single submitter. Criteria: Invitae Variant Classification Sherloc (09022015). Collection method: clinical testing. Allele origin: germline.

Blueprint Genetics
Classification: Likely benign. Last evaluated: 2024-11-13. Review status: criteria provided, single submitter. Criteria: ACMG Guidelines, 2015. Collection method: clinical testing. Allele origin: germline.

Eurofins Ntd Llc (ga)
Classification: Uncertain significance. Last evaluated: 2018-06-13. Review status: criteria provided, single submitter. Criteria: EGL ClinVar v180209 classification definitions. Collection method: clinical testing. Allele origin: germline. Observed: 9 variant alleles, 9 heterozygotes.

Illumina Laboratory Services, Illumina
Classification: Likely benign for Senior-Loken syndrome 4. Last evaluated: 2018-01-13. Review status: criteria provided, single submitter. Criteria: ICSL Variant Classification Criteria 13 December 2019. Collection method: clinical testing. Allele origin: germline.
Comment: This variant was observed in the ICSL laboratory as part of a predisposition screen in an ostensibly healthy population. It had not been previously curated by ICSL or reported in the Human Gene Mutation Database (HGMD: prior to June 1st, 2018), and was therefore a candidate for classification through an automated scoring system. Utilizing variant allele frequency, disease prevalence and penetrance estimates, and inheritance mode, an automated score was calculated to assess if this variant is too frequent to cause the disease. Based on the score and internal cut-off values, a variant classified as likely benign is not then subjected to further curation. The score for this variant resulted in a classification of likely benign for this disease.

Illumina Laboratory Services, Illumina
Classification: Uncertain significance for Nephronophthisis 4. Last evaluated: 2018-01-13. Review status: criteria provided, single submitter. Criteria: ICSL Variant Classification Criteria 13 December 2019. Collection method: clinical testing. Allele origin: germline.

PreventionGenetics, part of Exact Sciences
Classification: Likely benign. Review status: criteria provided, single submitter. Criteria: ACMG Guidelines, 2015. Collection method: clinical testing. Allele origin: germline.

NM_015102.5(NPHP4):c.2820G>A (p.Ala940=)

Gene: NPHP4 (nephrocystin 4; minus strand). Cytogenetic location: 1p36.31.
Variant type: single nucleotide variant.
Coding change: c.2820G>A on transcript NM_015102.5 (MANE Select); coding-DNA position 2820, G replaced by A.
Protein change: p.Ala940=; no amino-acid change (alanine 940 retained).
Molecular consequence: synonymous variant. On other transcripts: non-coding transcript variant (1).
Genome position (GRCh38, 1-based): chr1:5,875,098, C>T on the plus strand (G>A on the coding strand, the complement: NPHP4 is on the minus strand). VCF-style: chr1-5875098-C-T. GRCh37 (hg19) VCF-style: chr1-5935158-C-T.
Other names: c.1281G>A, p.Ala427= (NM_001291593.2); c.1284G>A, p.Ala428= (NM_001291594.2).
Identifiers: ClinVar variation 260551 (VCV000260551.21), dbSNP rs35575973, ClinGen allele CA553910.
Genomic context (GRCh38, chr1:5,875,098, plus strand): 5'-TTCCCGGTAGGCGGCGATGACCTGTAGGTCCCGCAAGTGCTGTGTGCGGACGCTCTGCTG[C>T]GCCTGCAGACAAGAGGACATGGGTGGACAGGGTCCCAGGCACACTCTCCTCCACAAGGGG-3'
Protein context (NP_055917.1, residues 930-950): DLGRRGTSVL[Ala940=]QQSVRTQHLR